The following is an entry in ClinVar:

NC_000009.12:g.35658028G>C

Gene: RMRP (RNA component of mitochondrial RNA processing endoribonuclease; minus strand). Cytogenetic location: 9p13.3.
Variant type: single nucleotide variant.
Genome position: GRCh38 VCF-style: chr9-35658028-G-C. GRCh37 (hg19) VCF-style: chr9-35658025-G-C.
Identifiers: ClinVar variation 835617 (VCV000835617.5), dbSNP rs572830134, ClinGen allele CA192745763.

ClinVar aggregate classification (germline): Uncertain significance. Review status: criteria provided, single submitter (1 of 4 stars). 2 submissions from 2 submitters: Uncertain significance (1). 1 of the submissions does not count toward it. Last evaluated 2024-10-22.

Conditions:
Anauxetic dysplasia. Identifiers: Orphanet 93347, MedGen C1846796, MONDO:0011773.
Metaphyseal chondrodysplasia, McKusick type (CHH). Also called: Cartilage-hair hypoplasia; Cartilage-Hair Hypoplasia (CHH). Identifiers: Orphanet 175, MedGen C0220748, MONDO:0009595, OMIM 250250.

Submissions (2):

Labcorp Genetics (formerly Invitae), Labcorp
Classification: Uncertain significance for Anauxetic dysplasia. Last evaluated: 2024-10-22. Review status: criteria provided, single submitter. Criteria: Invitae Variant Classification Sherloc (09022015). Collection method: clinical testing. Allele origin: germline.
Comment: This variant occurs in the RMRP gene, which encodes an RNA molecule that does not result in a protein product. This variant is present in population databases (no rsID available, gnomAD 0.01%). This variant has not been reported in the literature in individuals affected with RMRP-related conditions. ClinVar contains an entry for this variant (Variation ID: 835617). Experimental studies and prediction algorithms are not available or were not evaluated, and the functional significance of this variant is currently unknown. In summary, the available evidence is currently insufficient to determine the role of this variant in disease. Therefore, it has been classified as a Variant of Uncertain Significance.

Natera, Inc.
Classification: Uncertain significance for Cartilage-hair hypoplasia. Last evaluated: 2020-09-16. Review status: no assertion criteria provided. Collection method: clinical testing. Allele origin: germline. Not counted in ClinVar's aggregate classification.